The following is an entry in ClinVar:

ClinVar aggregate classification (germline): Uncertain significance (1 of 4 stars; one submission).

gnomAD v4.1: 4 of 1,418,118 alleles (0.00028%); highest among the groups gnomAD compares: Non-Finnish European, 0.00037%; no homozygotes.

Submission:

Labcorp Genetics (formerly Invitae), Labcorp
Classification: Uncertain significance. Last evaluated: 2021-11-04. Review status: criteria provided, single submitter. Criteria: Invitae Variant Classification Sherloc (09022015). Collection method: clinical testing. Allele origin: germline.
Comment: This sequence change replaces phenylalanine, which is neutral and non-polar, with leucine, which is neutral and non-polar, at codon 90 of the NXN protein (p.Phe90Leu). This variant is not present in population databases (gnomAD no frequency). This variant has not been reported in the literature in individuals affected with NXN-related conditions. Algorithms developed to predict the effect of missense changes on protein structure and function (SIFT, PolyPhen-2, Align-GVGD) all suggest that this variant is likely to be tolerated. In summary, the available evidence is currently insufficient to determine the role of this variant in disease. Therefore, it has been classified as a Variant of Uncertain Significance.

NM_022463.5(NXN):c.270C>G (p.Phe90Leu)

Gene: NXN (nucleoredoxin; minus strand). Cytogenetic location: 17p13.3.
Variant type: single nucleotide variant.
Coding change: c.270C>G on transcript NM_022463.5 (MANE Select); coding-DNA position 270, C replaced by G.
Protein change: p.Phe90Leu; replaces phenylalanine 90 with leucine.
Molecular consequence: missense variant.
Genome position (GRCh38, 1-based): chr17:979,409, G>C on the plus strand (C>G on the coding strand, the complement: NXN is on the minus strand). VCF-style: chr17-979409-G-C. GRCh37 (hg19) VCF-style: chr17-882649-G-C.
Other names: short protein forms F90L.
Identifiers: ClinVar variation 1480965 (VCV001480965.6), dbSNP rs2069509528, ClinGen allele CA397511514.
Genomic context (GRCh38, chr17:979,409, plus strand): 5'-CAGCCACGGCATGTCCCGCACGAAGTCCTGCCACTGCCGCTGGTCCTGGTCCGAGGACAC[G>C]AAGACGATCTCCAGGCGCCGCCGCGGCTCGGGCTCCGCCGCCGCCCCGGCCCCCGCTCCC-3'
Protein context (NP_071908.2, residues 80-100): PEPRRRLEIV[Phe90Leu]VSSDQDQRQW